The following is an entry in ClinVar:

ClinVar aggregate classification (germline): Uncertain significance (1 of 4 stars; one submission).

Conditions:
Lafora disease. Also called: Epilepsy progressive myoclonic 2. Identifiers: Orphanet 501, MedGen C0751783, MONDO:0009697.

gnomAD v4.1: 8 of 1,258,168 alleles (0.00064%); highest among the groups gnomAD compares: Non-Finnish European, 0.0008%; no homozygotes.

Submission:

Broad Center for Mendelian Genomics, Broad Institute of MIT and Harvard
Classification: Uncertain significance for Lafora disease. Last evaluated: 2025-01-08. Review status: criteria provided, single submitter. Criteria: ACMG Guidelines, 2015. Collection method: curation. Allele origin: germline. Inheritance: Autosomal recessive inheritance.
Comment: The p.Gly24Glu variant in EPM2A has been reported, in the homozygous state, in 2 siblings with Lafora disease (PMID: 37455597), and has been identified in 0.0008% (8/995118) of European (non-Finnish) chromosomes by the Genome Aggregation Database (gnomAD; dbSNP rs1488047448). Although this variant has been seen in the general population in a heterozygous state, its frequency is low enough to be consistent with a recessive carrier frequency. Computational prediction tools and conservation analyses suggest that this variant may impact the protein, though this information is not predictive enough to determine pathogenicity. The phenotype of an individual homozygous for this variant is highly specific for Lafora disease based on Lafora bodies identified via biopsy consistent with disease (PMID: 37455597). In summary, while there is some suspicion for a pathogenic role, the clinical significance of the p.Gly24Glu variant is uncertain. ACMG/AMP Criteria applied: PP3_moderate, PP4, PM2_supporting, PM3_supporting (Richards 2015).

NM_005670.4(EPM2A):c.71G>A (p.Gly24Glu)

Genes: EPM2A (EPM2A glucan phosphatase, laforin; minus strand), EPM2A-DT (EPM2A divergent transcript; plus strand), LOC129997381 (ATAC-STARR-seq lymphoblastoid silent region 17642; plus strand). Cytogenetic location: 6q24.3.
Variant type: single nucleotide variant.
Coding change: c.71G>A on transcript NM_005670.4 (MANE Select); coding-DNA position 71, G replaced by A.
Protein change: p.Gly24Glu; replaces glycine 24 with glutamic acid.
Molecular consequence: missense variant. On other transcripts: 5 prime UTR variant (3), intron variant (1).
Genome position (GRCh38, 1-based): chr6:145,735,428, C>T on the plus strand (G>A on the coding strand, the complement: EPM2A is on the minus strand). VCF-style: chr6-145735428-C-T. GRCh37 (hg19) VCF-style: chr6-146056564-C-T.
Other names: NR_153398.2:n.116+480G>A; c.71G>A, p.Gly24Glu (NM_001018041.2, NM_001360057.2, NM_001368130.1); c.-599G>A (NM_001360071.2); c.-553G>A (NM_001368129.2); c.-297G>A (NM_001368131.1); c.-114+480G>A (NM_001360064.2); short protein forms G24E.
Identifiers: ClinVar variation 3776961 (VCV003776961.1).